The following is an entry in ClinVar:

NM_182641.4(BPTF):c.5583C>T (p.Gly1861=)

Gene: BPTF (bromodomain PHD finger transcription factor; plus strand). Cytogenetic location: 17q24.2.
Variant type: single nucleotide variant.
Coding change: c.5583C>T on transcript NM_182641.4 (MANE Select); coding-DNA position 5583, C replaced by T.
Protein change: p.Gly1861=; no amino-acid change (glycine 1861 retained).
Molecular consequence: synonymous variant.
Genome position (GRCh38, 1-based): chr17:67,922,865, C>T. VCF-style: chr17-67922865-C-T. GRCh37 (hg19) VCF-style: chr17-65918981-C-T.
Other names: c.5961C>T, p.Gly1987= (NM_004459.7).
Identifiers: ClinVar variation 3678425 (VCV003678425.6).
Genomic context (GRCh38, chr17:67,922,865, plus strand): 5'-ATATTGCTTAAAATATTCTGATTTCCTTTCCAAAGAAACGCCTACACCTCAGAGGAAAGG[C>T]CTTCGATCAAGTGCACTGCGGCCAAAGAGACCAGAAACGCCCAAGCAAACTGGCCCTGTT-3'
Protein context (NP_872579.2, residues 1851-1871): PKETPTPQRK[Gly1861=]LRSSALRPKR

ClinVar aggregate classification (germline): Likely benign. Review status: criteria provided, multiple submitters, no conflicts (2 of 4 stars). 2 submissions from 2 submitters: Likely benign (2). Last evaluated 2026-03-01.

gnomAD v4.1: 8 of 1,612,840 alleles (0.0005%); highest among the groups gnomAD compares: South Asian, 0.0011%; no homozygotes.

Submissions (2):

CeGaT Center for Human Genetics Tuebingen
Classification: Likely benign. Last evaluated: 2026-03-01. Review status: criteria provided, single submitter. Criteria: CeGaT Center For Human Genetics Tuebingen Variant Classification Criteria Version 2. Collection method: clinical testing. Allele origin: germline. Affected: yes. Observed: 1 variant allele.
Comment: BPTF: BP4, BP7

Labcorp Genetics (formerly Invitae), Labcorp
Classification: Likely benign. Last evaluated: 2024-12-20. Review status: criteria provided, single submitter. Criteria: Invitae Variant Classification Sherloc (09022015). Collection method: clinical testing. Allele origin: germline.